The following is an entry in ClinVar:

ClinVar aggregate classification (germline): Uncertain significance (1 of 4 stars; one submission).

Submission:

GeneDx
Classification: Uncertain significance. Last evaluated: 2025-06-11. Review status: criteria provided, single submitter. Criteria: GeneDx Variant Classification Process June 2021. Collection method: clinical testing. Allele origin: germline. Affected: yes.
Comment: Has not been previously published as pathogenic or benign to our knowledge; In silico analysis supports that this missense variant has a deleterious effect on protein structure/function; Not observed at significant frequency in large population cohorts (gnomAD)

NM_001287.6(CLCN7):c.1450T>C (p.Ser484Pro)

Gene: CLCN7 (chloride voltage-gated channel 7; minus strand). Cytogenetic location: 16p13.3.
Variant type: single nucleotide variant.
Coding change: c.1450T>C on transcript NM_001287.6 (MANE Select); coding-DNA position 1450, T replaced by C.
Protein change: p.Ser484Pro; replaces serine 484 with proline.
Molecular consequence: missense variant.
Genome position (GRCh38, 1-based): chr16:1,450,664, A>G on the plus strand (T>C on the coding strand, the complement: CLCN7 is on the minus strand). VCF-style: chr16-1450664-A-G. GRCh37 (hg19) VCF-style: chr16-1500665-A-G.
Other names: c.1378T>C, p.Ser460Pro (NM_001114331.3); short protein forms S460P, S484P.
Identifiers: ClinVar variation 4537532 (VCV004537532.1).